The following is an entry in ClinVar:

ClinVar aggregate classification (germline): Uncertain significance (1 of 4 stars; one submission).

Submission:

Labcorp Genetics (formerly Invitae), Labcorp
Classification: Uncertain significance. Last evaluated: 2023-08-24. Review status: criteria provided, single submitter. Criteria: Invitae Variant Classification Sherloc (09022015). Collection method: clinical testing. Allele origin: unknown.
Comment: Experimental studies and prediction algorithms are not available or were not evaluated, and the functional significance of this variant is currently unknown. In summary, the available evidence is currently insufficient to determine the role of this variant in disease. Therefore, it has been classified as a Variant of Uncertain Significance. This variant has not been reported in the literature in individuals affected with ADAMTS17-related conditions. This variant is a gross deletion of the genomic region encompassing exon(s) 4-7 of the ADAMTS17 gene. This variant would be expected to be in-frame, preserving the integrity of the reading frame.

NC_000015.9:g.(?_100794321)_(100821626_?)del

Gene: ADAMTS17 (ADAM metallopeptidase with thrombospondin type 1 motif 17; minus strand). Cytogenetic location: 15q26.3.
Variant type: Deletion.
Identifiers: ClinVar variation 3243917 (VCV003243917.1).